The following is an entry in ClinVar:

NM_001555.5(IGSF1):c.584G>C (p.Gly195Ala)

Gene: IGSF1 (immunoglobulin superfamily member 1; minus strand). Cytogenetic location: Xq26.1.
Variant type: single nucleotide variant.
Coding change: c.584G>C on transcript NM_001555.5 (MANE Select); coding-DNA position 584, G replaced by C.
Protein change: p.Gly195Ala; replaces glycine 195 with alanine.
Molecular consequence: missense variant.
Genome position (GRCh38, 1-based): chrX:131,285,262, C>G on the plus strand (G>C on the coding strand, the complement: IGSF1 is on the minus strand). VCF-style: chrX-131285262-C-G. GRCh37 (hg19) VCF-style: chrX-130419236-C-G.
Other names: c.584G>C, p.Gly195Ala (NM_001170961.2, NM_001170963.2, NM_001438811.1 and 5 more transcripts); c.557G>C, p.Gly186Ala (NM_001170962.2); short protein forms G195A, G186A.
Identifiers: ClinVar variation 5007500 (VCV005007500.2).

ClinVar aggregate classification (germline): Uncertain significance (1 of 4 stars; one submission).

Conditions:
X-linked central congenital hypothyroidism with late-onset testicular enlargement. Also called: Hypothyroidism, central, and testicular enlargement; HYPOTHYROIDISM, CENTRAL, WITH TESTICULAR ENLARGEMENT. Identifiers: Orphanet 329235, MedGen C3550963, MONDO:0010475, OMIM 300888.

Submission:

Juno Genomics, Hangzhou Juno Genomics, Inc
Classification: Uncertain significance for X-linked central congenital hypothyroidism with late-onset testicular enlargement. Review status: criteria provided, single submitter. Criteria: ACMG Guidelines, 2015. Collection method: clinical testing. Allele origin: germline.
Comment: Absent from controls (or at extremely low frequency if recessive) in Genome Aggregation Database.;Multiple lines of computational evidence suggest no impact on gene or gene product.